The following is an entry in ClinVar:

NM_001365951.3(KIF1B):c.2358+4T>C

Gene: KIF1B (kinesin family member 1B; plus strand). Cytogenetic location: 1p36.22.
Variant type: single nucleotide variant.
Coding change: c.2358+4T>C on transcript NM_001365951.3 (MANE Select); 4 bases into the intron after coding-DNA position 2358, T replaced by C.
Molecular consequence: intron variant.
Genome position (GRCh38, 1-based): chr1:10,321,861, T>C. VCF-style: chr1-10321861-T-C. GRCh37 (hg19) VCF-style: chr1-10381919-T-C.
Other names: c.2220+4T>C (NM_015074.3); c.2358+4T>C (NM_001365952.1).
Identifiers: ClinVar variation 3226388 (VCV003226388.1), dbSNP rs2521607929, ClinGen allele CA2825000840.

ClinVar aggregate classification (germline): Uncertain significance (1 of 4 stars; one submission).

Submission:

Ambry Genetics
Classification: Uncertain significance. Last evaluated: 2023-12-04. Review status: criteria provided, single submitter. Criteria: Ambry Variant Classification Scheme 2023. Collection method: clinical testing. Allele origin: germline.
Comment: The c.2220+4T>C intronic variant results from a T to C substitution 4 nucleotides after coding exon 21 in the KIF1B gene. This nucleotide position is poorly conserved in available vertebrate species. In silico splice site analysis predicts that this alteration will not have any significant effect on splicing. The evidence for this gene-disease relationship is limited; therefore, the clinical significance of this alteration is unclear.